The following is an entry in ClinVar:

NM_001330588.2(TPP2):c.1804A>G (p.Arg602Gly)

Gene: TPP2 (tripeptidyl peptidase 2; plus strand). Cytogenetic location: 13q33.1.
Variant type: single nucleotide variant.
Coding change: c.1804A>G on transcript NM_001330588.2 (MANE Select); coding-DNA position 1804, A replaced by G.
Protein change: p.Arg602Gly; replaces arginine 602 with glycine.
Molecular consequence: missense variant. On other transcripts: non-coding transcript variant (1).
Genome position (GRCh38, 1-based): chr13:102,637,207, A>G. VCF-style: chr13-102637207-A-G. GRCh37 (hg19) VCF-style: chr13-103289557-A-G.
Other names: c.1804A>G, p.Arg602Gly (NM_001367947.1, NM_003291.4); short protein forms R602G.
Identifiers: ClinVar variation 2413355 (VCV002413355.6), dbSNP rs2503988238, ClinGen allele CA388489396.

ClinVar aggregate classification (germline): Uncertain significance (1 of 4 stars; one submission).

Conditions:
Evans syndrome, immunodeficiency, and premature immunosenescence associated with tripeptidyl-peptidase II deficiency. Identifiers: MedGen CN231723. Disease mechanism: loss of function.

gnomAD v4.1: 1 of 1,607,608 alleles (0.000062%); no homozygotes.

Submission:

Labcorp Genetics (formerly Invitae), Labcorp
Classification: Uncertain significance for Evans syndrome, immunodeficiency, and premature immunosenescence associated with tripeptidyl-peptidase II deficiency. Last evaluated: 2024-06-17. Review status: criteria provided, single submitter. Criteria: Invitae Variant Classification Sherloc (09022015). Collection method: clinical testing. Allele origin: germline.
Comment: This sequence change replaces arginine, which is basic and polar, with glycine, which is neutral and non-polar, at codon 602 of the TPP2 protein (p.Arg602Gly). This variant is not present in population databases (gnomAD no frequency). This variant has not been reported in the literature in individuals affected with TPP2-related conditions. ClinVar contains an entry for this variant (Variation ID: 2413355). An algorithm developed to predict the effect of missense changes on protein structure and function (PolyPhen-2) suggests that this variant is likely to be tolerated. In summary, the available evidence is currently insufficient to determine the role of this variant in disease. Therefore, it has been classified as a Variant of Uncertain Significance.